The following is an entry in ClinVar:

ClinVar aggregate classification (germline): Uncertain significance. Review status: criteria provided, multiple submitters, no conflicts (2 of 4 stars). 3 submissions from 3 submitters: Uncertain significance (3). Last evaluated 2026-01-06.

Conditions:
IL6ST-related disorder. Also called: IL6ST-related condition.

gnomAD v4.1: 35 of 1,550,578 alleles (0.0023%); highest among the groups gnomAD compares: Admixed American, 0.0037%; no homozygotes.

Submissions (3):

Labcorp Genetics (formerly Invitae), Labcorp
Classification: Uncertain significance. Last evaluated: 2026-01-06. Review status: criteria provided, single submitter. Criteria: Invitae Variant Classification Sherloc (09022015). Collection method: clinical testing. Allele origin: germline.
Comment: This sequence change replaces arginine, which is basic and polar, with glutamine, which is neutral and polar, at codon 644 of the IL6ST protein (p.Arg644Gln). This variant is present in population databases (rs768979387, gnomAD 0.003%). This variant has not been reported in the literature in individuals affected with IL6ST-related conditions. ClinVar contains an entry for this variant (Variation ID: 1494958). An algorithm developed to predict the effect of missense changes on protein structure and function (PolyPhen-2) suggests that this variant is likely to be disruptive. In summary, the available evidence is currently insufficient to determine the role of this variant in disease. Therefore, it has been classified as a Variant of Uncertain Significance.

PreventionGenetics, part of Exact Sciences
Classification: Uncertain significance for IL6ST-related condition. Last evaluated: 2025-08-13. Review status: criteria provided, single submitter. Criteria: ACMG Guidelines, 2015. Collection method: clinical testing. Allele origin: germline.
Comment: The IL6ST c.1931G>A variant is predicted to result in the amino acid substitution p.Arg644Gln. To our knowledge, this variant has not been reported in the literature. This variant is reported in 0.0037% of alleles in individuals of European (Non-Finnish) descent in gnomAD. Although we suspect that this variant may be benign, at this time, the clinical significance of this variant is uncertain due to the absence of conclusive functional and genetic evidence.

Blueprint Genetics
Classification: Uncertain significance. Last evaluated: 2024-11-05. Review status: criteria provided, single submitter. Criteria: ACMG Guidelines, 2015. Collection method: clinical testing. Allele origin: germline.

NM_002184.4(IL6ST):c.1931G>A (p.Arg644Gln)

Gene: IL6ST (interleukin 6 cytokine family signal transducer; minus strand). Cytogenetic location: 5q11.2.
Variant type: single nucleotide variant.
Coding change: c.1931G>A on transcript NM_002184.4 (MANE Select); coding-DNA position 1931, G replaced by A.
Protein change: p.Arg644Gln; replaces arginine 644 with glutamine.
Molecular consequence: missense variant. On other transcripts: 3 prime UTR variant (1), non-coding transcript variant (2).
Genome position (GRCh38, 1-based): chr5:55,947,499, C>T on the plus strand (G>A on the coding strand, the complement: IL6ST is on the minus strand). VCF-style: chr5-55947499-C-T. GRCh37 (hg19) VCF-style: chr5-55243327-C-T.
Other names: c.1748G>A, p.Arg583Gln (NM_001190981.2); c.1829G>A, p.Arg610Gln (NM_001364275.2); c.1721G>A, p.Arg574Gln (NM_001364276.2); c.1064G>A, p.Arg355Gln (NM_001364277.2); c.1028G>A, p.Arg343Gln (NM_001364278.2); c.935G>A, p.Arg312Gln (NM_001364279.2); c.*858G>A (NM_175767.3); c.1931G>A (NM_002184.3); short protein forms R610Q, R644Q, R355Q, R574Q, R583Q, R312Q, R343Q.
Identifiers: ClinVar variation 1494958 (VCV001494958.10), dbSNP rs768979387, ClinGen allele CA3271264.